The following is an entry in ClinVar:

NM_000154.2(GALK1):c.146_152del (p.Gln49fs)

Gene: GALK1 (galactokinase 1; minus strand). Cytogenetic location: 17q25.1.
Variant type: Deletion.
Coding change: c.146_152del on transcript NM_000154.2 (MANE Select); coding-DNA positions 146 to 152, 7 bases deleted (AGGGCCT; older notation c.146_152delAGGGCCT).
Protein change: p.Gln49fs; shifts the reading frame from glutamine 49.
Molecular consequence: frameshift variant.
Genome position (GRCh38, 1-based): chr17:75,764,985-75,764,991, AGGCCCT deleted on the plus strand (AGGGCCT on the coding strand, the reverse complement: GALK1 is on the minus strand). VCF-style (leftmost placement, unchanged base first): chr17-75764984-CAGGCCCT-C. GRCh37 (hg19) VCF-style: chr17-73761065-CAGGCCCT-C.
Other names: c.146_152del, p.Gln49fs (NM_001381985.1); short protein forms Q49fs.
Identifiers: ClinVar variation 4817609 (VCV004817609.1).

ClinVar aggregate classification (germline): Likely pathogenic (1 of 4 stars; one submission).

Conditions:
Deficiency of galactokinase. Also called: Galactokinase deficiency with cataracts; GALACTOSEMIA II. Identifiers: Orphanet 352, Orphanet 79237, MedGen C0268155, MONDO:0009255, OMIM 230200.

Submission:

Natera, Inc.
Classification: Likely pathogenic for Deficiency of galactokinase. Last evaluated: 2024-03-04. Review status: criteria provided, single submitter. Criteria: Natera Variant Classification Schema (03/2026). Collection method: clinical testing. Allele origin: germline.
Comment: The c.146_152delAGGGCCT variant in GALK1 is a frameshift variant predicted to shift the reading frame beginning at codon 49 and leads to a stop codon 10 codons downstream. This variant is expected to result in nonsense mediated decay, truncation, or a dysfunctional protein product. This variant is rare in the general population with a frequency below the threshold expected for the associated phenotype(s). Given the available evidence, this variant is classified as Likely Pathogenic.